The following is an entry in ClinVar:

NM_000091.5(COL4A3):c.3059T>C (p.Met1020Thr)

Genes: COL4A3 (collagen type IV alpha 3 chain; plus strand), MFF-DT (MFF divergent transcript; minus strand). Cytogenetic location: 2q36.3.
Variant type: single nucleotide variant.
Coding change: c.3059T>C on transcript NM_000091.5 (MANE Select); coding-DNA position 3059, T replaced by C.
Protein change: p.Met1020Thr; replaces methionine 1020 with threonine.
Molecular consequence: missense variant.
Genome position (GRCh38, 1-based): chr2:227,290,077, T>C. VCF-style: chr2-227290077-T-C. GRCh37 (hg19) VCF-style: chr2-228154793-T-C.
Other names: short protein forms M1020T.
Identifiers: ClinVar variation 2171841 (VCV002171841.8), dbSNP rs202071907, ClinGen allele CA2147086.
Genomic context (GRCh38, chr2:227,290,077, plus strand): 5'-GCAGCACTGGGAATCCTGGAGAACCAGGACTGCGTGGTATACCAGGAAGCATGGGGAACA[T>C]GGGCATGCCAGGTAATGCATAAGGTCCTGTTATGAGCCCACAAGCTCATGATGGGTGAGG-3'
Protein context (NP_000082.2, residues 1010-1030): LRGIPGSMGN[Met1020Thr]GMPGSKGKRG

ClinVar aggregate classification (germline): Conflicting classifications of pathogenicity. Review status: criteria provided, conflicting classifications (1 of 4 stars). 4 submissions from 4 submitters: Uncertain significance (3); Likely benign (1). Last evaluated 2026-04-03.

Conditions:
Inborn genetic diseases. Identifiers: MedGen C0950123, MeSH D030342.
Autosomal dominant Alport syndrome (ATS3A). Also called: Alport syndrome dominant type; Renal failure and sensorineural hearing loss; ALPORT SYNDROME 3A, AUTOSOMAL DOMINANT. Identifiers: Orphanet 63, Orphanet 88918, MedGen C5882663, MONDO:0007086, OMIM 104200.
Alport syndrome 3b, autosomal recessive. Identifiers: MedGen C5882699, MONDO:0957811, OMIM 620536.
Hematuria, benign familial, 2 (BFH2). Identifiers: MedGen C5830421, MONDO:0958186, OMIM 620320.

Allele frequency attached by ClinVar (database versions not stated): TOPMed 0.00001; ExAC 0.00002.

Submissions (4):

GeneDx
Classification: Uncertain significance. Last evaluated: 2026-04-03. Review status: criteria provided, single submitter. Criteria: GeneDx Variant Classification Process June 2021. Collection method: clinical testing. Allele origin: germline.
Comment: In silico analysis suggests that this missense variant does not alter protein structure/function; Occurs in the triple helical domain at the Y position in the canonical Gly-X-Y repeat; although this variant may have an effect on normal protein folding and function, missense substitution at the Y position is not a common mechanism of disease; Has not been previously published as pathogenic or benign to our knowledge

Labcorp Genetics (formerly Invitae), Labcorp
Classification: Likely benign. Last evaluated: 2026-01-06. Review status: criteria provided, single submitter. Criteria: Invitae Variant Classification Sherloc (09022015). Collection method: clinical testing. Allele origin: germline.

Ambry Genetics
Classification: Uncertain significance for Inborn genetic diseases. Last evaluated: 2025-03-14. Review status: criteria provided, single submitter. Criteria: Ambry Variant Classification Scheme 2023. Collection method: clinical testing. Allele origin: germline.

Fulgent Genetics
Classification: Uncertain significance for Autosomal dominant Alport syndrome; Hematuria, benign familial, 2; Alport syndrome 3b, autosomal recessive. Last evaluated: 2024-01-15. Review status: criteria provided, single submitter. Criteria: ACMG Guidelines, 2015. Collection method: clinical testing. Allele origin: germline.